The following is an entry in ClinVar:

NM_004168.4(SDHA):c.215C>T (p.Ala72Val)

Gene: SDHA (succinate dehydrogenase complex flavoprotein subunit A; plus strand). Cytogenetic location: 5p15.33.
Variant type: single nucleotide variant.
Coding change: c.215C>T on transcript NM_004168.4 (MANE Select); coding-DNA position 215, C replaced by T.
Protein change: p.Ala72Val; replaces alanine 72 with valine.
Molecular consequence: missense variant.
Genome position (GRCh38, 1-based): chr5:224,424, C>T. VCF-style: chr5-224424-C-T. GRCh37 (hg19) VCF-style: chr5-224539-C-T.
Other names: c.215C>T (NM_004168.2); c.215C>T, p.Ala72Val (NM_001294332.2, NM_001330758.2); short protein forms A72V.
Identifiers: ClinVar variation 1353529 (VCV001353529.9), dbSNP rs1204881025, ClinGen allele CA359008503.

ClinVar aggregate classification (germline): Uncertain significance. Review status: criteria provided, multiple submitters, no conflicts (2 of 4 stars). 2 submissions from 2 submitters: Uncertain significance (2). Last evaluated 2026-04-21.

Conditions:
Mitochondrial complex II deficiency, nuclear type 1. Also called: SUCCINATE CoQ REDUCTASE DEFICIENCY. Identifiers: Orphanet 3208, MedGen C5700310, MONDO:0100294, OMIM 252011.
Pheochromocytoma/paraganglioma syndrome 5. Also called: Paragangliomas 5; SDHA-Related Hereditary Paraganglioma-Pheochromocytoma Syndrome. Identifiers: Orphanet 29072, MedGen C3279992, MONDO:0013602, OMIM 614165.
Hereditary cancer-predisposing syndrome. Also called: Tumor predisposition; Hereditary Cancer Syndrome; Hereditary neoplastic syndrome; Neoplastic Syndromes, Hereditary. Identifiers: Orphanet 140162, MedGen C0027672, MeSH D009386, MONDO:0015356.

Allele frequency attached by ClinVar (database versions not stated): gnomAD exomes below 0.00001.
gnomAD v4.1: 1 of 1,613,634 alleles (0.000062%); no homozygotes.

Submissions (2):

Ambry Genetics
Classification: Uncertain significance for Hereditary cancer-predisposing syndrome. Last evaluated: 2026-04-21. Review status: criteria provided, single submitter. Criteria: Ambry Variant Classification Scheme 2023. Collection method: clinical testing. Allele origin: germline.
Comment: The p.A72V variant (also known as c.215C>T), located in coding exon 3 of the SDHA gene, results from a C to T substitution at nucleotide position 215. The alanine at codon 72 is replaced by valine, an amino acid with similar properties. This amino acid position is highly conserved in available vertebrate species. In addition, this alteration is predicted to be deleterious by in silico analysis. Based on the available evidence, the clinical significance of this variant remains unclear.

Labcorp Genetics (formerly Invitae), Labcorp
Classification: Uncertain significance for Pheochromocytoma/paraganglioma syndrome 5; Mitochondrial complex II deficiency, nuclear type 1. Last evaluated: 2026-01-10. Review status: criteria provided, single submitter. Criteria: Invitae Variant Classification Sherloc (09022015). Collection method: clinical testing. Allele origin: germline.
Comment: This sequence change replaces alanine, which is neutral and non-polar, with valine, which is neutral and non-polar, at codon 72 of the SDHA protein (p.Ala72Val). This variant is not present in population databases (gnomAD no frequency). This variant has not been reported in the literature in individuals affected with SDHA-related conditions. ClinVar contains an entry for this variant (Variation ID: 1353529). Invitae Evidence Modeling of protein sequence and biophysical properties (such as structural, functional, and spatial information, amino acid conservation, physicochemical variation, residue mobility, and thermodynamic stability) has been performed for this missense variant. However, the output from this modeling did not meet the statistical confidence thresholds required to predict the impact of this variant on SDHA protein function. In summary, the available evidence is currently insufficient to determine the role of this variant in disease. Therefore, it has been classified as a Variant of Uncertain Significance.